The following is an entry in ClinVar:

NM_000179.3(MSH6):c.3903T>C (p.Asn1301=)

Gene: MSH6 (mutS homolog 6; plus strand). Cytogenetic location: 2p16.3.
Variant type: single nucleotide variant.
Coding change: c.3903T>C on transcript NM_000179.3 (MANE Select); coding-DNA position 3903, T replaced by C.
Protein change: p.Asn1301=; no amino-acid change (asparagine 1301 retained).
Molecular consequence: synonymous variant.
Genome position (GRCh38, 1-based): chr2:47,806,553, T>C. VCF-style: chr2-47806553-T-C. GRCh37 (hg19) VCF-style: chr2-48033692-T-C.
Other names: c.3513T>C, p.Asn1171= (NM_001281492.2); c.2997T>C, p.Asn999= (NM_001281493.2, NM_001281494.2).
Identifiers: ClinVar variation 759807 (VCV000759807.13), dbSNP rs1035009009, ClinGen allele CA46719771.

ClinVar aggregate classification (germline): Benign/Likely benign. Review status: criteria provided, multiple submitters, no conflicts (2 of 4 stars). 3 submissions from 3 submitters: Benign (1); Likely benign (2). Last evaluated 2025-11-24.

Conditions:
Hereditary cancer-predisposing syndrome. Also called: Tumor predisposition; Neoplastic Syndromes, Hereditary; Hereditary Cancer Syndrome; Hereditary neoplastic syndrome. Identifiers: Orphanet 140162, MedGen C0027672, MeSH D009386, MONDO:0015356.
Lynch syndrome 5 (LYNCH5). Also called: Colorectal cancer, hereditary nonpolyposis, type 5; Hereditary non-polyposis colorectal cancer, type 5. Identifiers: Orphanet 144, MedGen C1833477, MONDO:0013710, OMIM 614350. Disease mechanism: loss of function.
Hereditary nonpolyposis colorectal neoplasms. Identifiers: MedGen C0009405, MeSH D003123.

Allele frequency attached by ClinVar (database versions not stated): TOPMed below 0.00001; gnomAD 0.00001.
gnomAD v4.1: 1 of 1,613,774 alleles (0.000062%); highest among the groups gnomAD compares: African/African-American, 0.0013%; no homozygotes.

Submissions (3):

Labcorp Genetics (formerly Invitae), Labcorp
Classification: Likely benign for Hereditary nonpolyposis colorectal neoplasms. Last evaluated: 2025-11-24. Review status: criteria provided, single submitter. Criteria: Invitae Variant Classification Sherloc (09022015). Collection method: clinical testing. Allele origin: germline.

Myriad Genetics, Inc.
Classification: Benign for Lynch syndrome 5. Last evaluated: 2025-01-08. Review status: criteria provided, single submitter. Criteria: Myriad Autosomal Dominant, Autosomal Recessive and X-Linked Classification Criteria (2023). Collection method: clinical testing. Allele origin: unknown.
Comment: This variant is considered benign. This variant is a silent/synonymous amino acid change and it is not expected to impact splicing.

Ambry Genetics
Classification: Likely benign for Hereditary cancer-predisposing syndrome. Last evaluated: 2019-05-15. Review status: criteria provided, single submitter. Criteria: Ambry Variant Classification Scheme 2023. Collection method: clinical testing. Allele origin: germline.